The following is an entry in ClinVar:

ClinVar aggregate classification (germline): Pathogenic/Likely pathogenic. Review status: criteria provided, multiple submitters, no conflicts (2 of 4 stars). 12 submissions from 12 submitters: Pathogenic (2); Likely pathogenic (10). Last evaluated 2026-04-06.

Conditions:
Trimethylaminuria (TMAU). Also called: FISH-ODOR SYNDROME; Fish malodor syndrome; Stale fish syndrome; TMAuria; Primary Trimethylaminuria. Identifiers: MedGen C0342739, MONDO:0011182, OMIM 602079, HP:0003614. Disease mechanism: loss of function.

Allele frequency attached by ClinVar (database versions not stated): gnomAD 0.00006 and 0.00007; gnomAD exomes 0.00006 and 0.00012; TOPMed 0.00010; ExAC 0.00009; 1000 Genomes Project 0.00020; 1000 Genomes Project 30x 0.00031.
gnomAD v4.1: 111 of 1,613,816 alleles (0.0069%); highest among the groups gnomAD compares: Admixed American, 0.013%; no homozygotes.

Submissions (12):

Dasa
Classification: Likely pathogenic. Last evaluated: 2026-04-06. Review status: criteria provided, single submitter. Criteria: DASA Assertion Criteria. Collection method: clinical testing. Allele origin: germline.
Comment: NM_001002294.3(FMO3):c.929C>T (p.Ser310Leu) is a missense variant that results in the substitution of serine with leucine. This variant has been recurrently observed in individuals with FMO3-related disorders (PMID: 23791655; PMID: 28649550; PMID: 28743400). Functional evidence supports an impact on the gene or gene product. Also, this variant is rare in population databases. Based on the currently available evidence, this variant is classified as likely pathogenic.

GeneDx
Classification: Likely pathogenic. Last evaluated: 2026-03-24. Review status: criteria provided, single submitter. Criteria: GeneDx Variant Classification Process June 2021. Collection method: clinical testing. Allele origin: germline.
Comment: Identified in patients with trimethylaminuria and malodor in published literature (PMID: 28649550, 23791655, 28743400); A published functional study shows a damaging effect, including decreased enzymatic activity (PMID: 28649550); In silico analysis supports that this missense variant has a deleterious effect on protein structure/function; This variant is associated with the following publications: (PMID: 34426522, 34634752, 28743400, 23791655, 28649550)

Labcorp Genetics (formerly Invitae), Labcorp
Classification: Pathogenic. Last evaluated: 2026-01-30. Review status: criteria provided, single submitter. Criteria: Invitae Variant Classification Sherloc (09022015). Collection method: clinical testing. Allele origin: germline.
Comment: This sequence change replaces serine, which is neutral and polar, with leucine, which is neutral and non-polar, at codon 310 of the FMO3 protein (p.Ser310Leu). This variant is present in population databases (rs572292275, gnomAD 0.1%). This missense change has been observed in individual(s) with trimethylaminuria (PMID: 23791655, 28649550, 28743400). In at least one individual the data is consistent with being in trans (on the opposite chromosome) from a pathogenic variant. ClinVar contains an entry for this variant (Variation ID: 631576). Invitae Evidence Modeling of protein sequence and biophysical properties (such as structural, functional, and spatial information, amino acid conservation, physicochemical variation, residue mobility, and thermodynamic stability) indicates that this missense variant is expected to disrupt FMO3 protein function with a positive predictive value of 95%. Experimental studies have shown that this missense change affects FMO3 function (PMID: 28649550). For these reasons, this variant has been classified as Pathogenic.

Otogenetics
Classification: Pathogenic for Trimethylaminuria. Last evaluated: 2025-12-19. Review status: criteria provided, single submitter. Criteria: ACMG Guidelines, 2015. Collection method: clinical testing. Allele origin: germline.
Comment: PS3: Well-established in vitro and in vivo functional studies supportive of damaging effect on the gene product, with low residual enzymatic activity relative to wild-type reported (PMID: 28649550); PM2: Maximum gnomAD MAF of 0.1351% in Ashkenazi Jewish (ASJ) subpopulation (<0.251% threshold); PM3_Strong: Variant reported in homozygous state in one affected individual and in trans with 2 pathogenic variants in 2 individuals affected with trimethylaminuria (PMID: 23791655, 28649550, 28743400)

Women's Health and Genetics/Laboratory Corporation of America, LabCorp
Classification: Likely pathogenic for Trimethylaminuria. Last evaluated: 2025-05-21. Review status: criteria provided, single submitter. Criteria: LabCorp Variant Classification Summary - May 2015. Collection method: clinical testing. Allele origin: germline.
Comment: Variant summary: FMO3 c.929C>T (p.Ser310Leu) results in a non-conservative amino acid change in the encoded protein sequence. Algorithms developed to predict the effect of missense changes on protein structure and function are either unavailable or do not agree on the potential impact of this missense change. The variant allele was found at a frequency of 0.00012 in 251064 control chromosomes. This frequency is not significantly higher than estimated for a pathogenic variant in FMO3 causing Trimethylaminuria (0.00012 vs 0.0056), allowing no conclusion about variant significance. At least one publication reports experimental evidence evaluating an impact on protein function and this variant effect results in <10% of normal activity (Shimizu_2015). The following publications have been ascertained in the context of this evaluation (PMID: 23791655, 28743400, 28649550). ClinVar contains an entry for this variant (Variation ID: 631576). Based on the evidence outlined above, the variant was classified as likely pathogenic.

First Genomix Gene Laboratory, Genetic Diagnostics Department
Classification: Likely pathogenic for Trimethylaminuria. Last evaluated: 2025-01-22. Review status: criteria provided, single submitter. Criteria: ACMG Guidelines, 2015. Collection method: clinical testing. Allele origin: germline. Inheritance: Autosomal recessive inheritance. Affected: no. Observed: 1 variant allele.

Fulgent Genetics
Classification: Likely pathogenic for Trimethylaminuria. Last evaluated: 2024-06-19. Review status: criteria provided, single submitter. Criteria: ACMG Guidelines, 2015. Collection method: clinical testing. Allele origin: germline.

Genomic Medicine Center of Excellence, King Faisal Specialist Hospital and Research Centre
Classification: Likely pathogenic for Trimethylaminuria. Last evaluated: 2024-03-26. Review status: criteria provided, single submitter. Criteria: ACMG Guidelines, 2015. Collection method: clinical testing. Allele origin: germline.

Laboratorio de Genetica e Diagnostico Molecular, Hospital Israelita Albert Einstein
Classification: Likely pathogenic. Last evaluated: 2022-03-28. Review status: criteria provided, single submitter. Criteria: ACMG Guidelines, 2015. Collection method: clinical testing. Allele origin: germline. Affected: yes.
Comment: ACMG classification criteria: PS3, PS4, PM2, PM3, BP4

Baylor Genetics
Classification: Likely pathogenic for Trimethylaminuria. Last evaluated: 2022-03-23. Review status: criteria provided, single submitter. Criteria: ACMG Guidelines, 2015. Collection method: clinical testing. Allele origin: unknown.

Illumina Laboratory Services, Illumina
Classification: Likely pathogenic for Trimethylaminuria. Last evaluated: 2018-12-07. Review status: criteria provided, single submitter. Criteria: ICSL Variant Classification Criteria 09 May 2019. Collection method: clinical testing. Allele origin: germline.
Comment: The FMO3 c.929C>T (p.Ser310Leu) missense variant has been reported in three studies in which it was identified in three individuals with trimethylaminuria (Ferriera et al. 2013; Shimizu et al. 2015; SÃ¡nchez Guevara et al. 2017). In one individual with a 75% reduction in FMO activity, the p.Ser310Leu variant was identified in cis as part of a complex allele with a second missense variant which was known to have a mild effect on protein function. The complex allele was found in a heterozygous state with a nonsense variant. The p.Ser310Leu variant was absent from 200 controls, but is reported at a frequency of 0.001351 in the Ashkenazi Jewish population of the Genome Aggregation Database. There is no functional evidence available for the p.Ser310Leu variant in isolation, however the p.[(Glu158Lys;Ser310Leu)] complex allele demonstrated trimethylamine N-oxygenation activity that was less than 10% of wildtype (Shimizu et al. 2015). Based on the evidence the p.Ser310Leu variant is classified as likely pathogenic for trimethylaminuria. This variant was observed by ICSL as part of a predisposition screen in an ostensibly healthy population.

Clinical Genetics Service, Universitary Hospital 12 de Octubre
Classification: Likely pathogenic for Trimethylaminuria. Review status: criteria provided, single submitter. Criteria: ACMG Guidelines, 2015. Collection method: clinical testing. Allele origin: paternal. Affected: yes.

Literature cited by the submitters: PubMed 23791655 (cited by 5 submitters); PubMed 28649550 (cited by 5 submitters); PubMed 28743400 (cited by 5 submitters).

NM_001002294.3(FMO3):c.929C>T (p.Ser310Leu)

Gene: FMO3 (flavin containing dimethylaniline monoxygenase 3; plus strand). Cytogenetic location: 1q24.3.
Variant type: single nucleotide variant.
Coding change: c.929C>T on transcript NM_001002294.3 (MANE Select); coding-DNA position 929, C replaced by T.
Protein change: p.Ser310Leu; replaces serine 310 with leucine.
Molecular consequence: missense variant.
Genome position (GRCh38, 1-based): chr1:171,114,108, C>T. VCF-style: chr1-171114108-C-T. GRCh37 (hg19) VCF-style: chr1-171083248-C-T.
Other names: c.869C>T, p.Ser290Leu (NM_001319173.2); c.740C>T, p.Ser247Leu (NM_001319174.2); c.929C>T, p.Ser310Leu (NM_006894.6); short protein forms S310L, S290L, S247L.
Identifiers: ClinVar variation 631576 (VCV000631576.20), dbSNP rs572292275, ClinGen allele CA1240699.